The following is an entry in ClinVar:

ClinVar aggregate classification (germline): Conflicting classifications of pathogenicity. Review status: criteria provided, conflicting classifications (1 of 4 stars). 4 submissions from 4 submitters: Uncertain significance (3); Likely benign (1). Last evaluated 2023-10-14.

Conditions:
Hereditary cancer-predisposing syndrome. Also called: Tumor predisposition; Hereditary neoplastic syndrome; Hereditary Cancer Syndrome; Neoplastic Syndromes, Hereditary. Identifiers: Orphanet 140162, MedGen C0027672, MeSH D009386, MONDO:0015356.
Hereditary breast ovarian cancer syndrome. Also called: Hereditary breast and ovarian cancer; Hereditary breast and ovarian cancer syndrome; Hereditary breast and/or ovarian cancer syndrome; BRCA1- and BRCA2-Associated Hereditary Breast and Ovarian Cancer; Hereditary breast and ovarian cancer syndrome (HBOC); Breast and ovarian cancer. Identifiers: Orphanet 145, MedGen C0677776, MeSH D061325, MONDO:0003582. Disease mechanism: loss of function.

Submissions (4):

Women's Health and Genetics/Laboratory Corporation of America, LabCorp
Classification: Uncertain significance. Last evaluated: 2023-10-14. Review status: criteria provided, single submitter. Criteria: LabCorp Variant Classification Summary - May 2015. Collection method: clinical testing. Allele origin: germline.

University of Washington Department of Laboratory Medicine, University of Washington
Classification: Likely benign for Hereditary cancer-predisposing syndrome. Last evaluated: 2023-03-23. Review status: criteria provided, single submitter. Criteria: Dines et al. (Genet Med. 2020). Collection method: curation. Allele origin: germline.
Comment: Missense variant in a coldspot region where missense variants are very unlikely to be pathogenic (PMID:31911673).

BRCA1 coldspot (exon 11 using historical exon numbering). Reclassification based on statistical prior probability

Institute for Biomarker Research, Medical Diagnostic Laboratories, L.L.C.
Classification: Uncertain significance for Hereditary breast ovarian cancer syndrome. Last evaluated: 2023-02-14. Review status: criteria provided, single submitter. Criteria: ACMG Guidelines, 2015. Collection method: clinical testing. Allele origin: germline.

Color Diagnostics, LLC DBA Color Health
Classification: Uncertain significance for Hereditary cancer-predisposing syndrome. Last evaluated: 2020-12-23. Review status: criteria provided, single submitter. Criteria: ACMG Guidelines, 2015. Collection method: clinical testing. Allele origin: germline.
Comment: This missense variant replaces histidine with tyrosine at codon 619 of the BRCA1 protein. Computational prediction suggests that this variant may not impact protein structure and function (internally defined REVEL score threshold <= 0.5, PMID: 27666373). To our knowledge, functional studies have not been reported for this variant. This variant has not been reported in individuals affected with hereditary cancer in the literature. This variant has not been identified in the general population by the Genome Aggregation Database (gnomAD). The available evidence is insufficient to determine the role of this variant in disease conclusively. Therefore, this variant is classified as a Variant of Uncertain Significance.

NM_007294.4(BRCA1):c.1855C>T (p.His619Tyr)

Gene: BRCA1 (BRCA1 DNA repair associated; minus strand). Cytogenetic location: 17q21.31.
Variant type: single nucleotide variant.
Coding change: c.1855C>T on transcript NM_007294.4 (MANE Select); coding-DNA position 1855, C replaced by T.
Protein change: p.His619Tyr; replaces histidine 619 with tyrosine.
Molecular consequence: missense variant. On other transcripts: intron variant (137).
Genome position (GRCh38, 1-based): chr17:43,093,676, G>A on the plus strand (C>T on the coding strand, the complement: BRCA1 is on the minus strand). VCF-style: chr17-43093676-G-A. GRCh37 (hg19) VCF-style: chr17-41245693-G-A.
Other names: c.1732C>T, p.His578Tyr (NM_001407664.1, NM_001407665.1, NM_001407666.1 and 19 more transcripts); c.709+1068C>T (NM_001408411.1, NM_001408412.1, NM_001408409.1 and 2 more transcripts); c.577+1068C>T (NM_001408514.1, NM_001408485.1, NM_001408481.1 and 9 more transcripts); c.661+1068C>T (NM_001408447.1, NM_001408433.1, NM_001408446.1 and 6 more transcripts); c.784+1068C>T (NM_001408400.1, NM_001408392.1, NM_001407986.1 and 13 more transcripts); c.787+1068C>T (NM_001407977.1, NM_001407979.1, NM_001407980.1 and 19 more transcripts); c.664+1068C>T (NM_001408441.1, NM_001408437.1, NM_001408429.1 and 12 more transcripts); c.1729C>T, p.His577Tyr (NM_001407670.1, NM_001407671.1, NM_001407673.1 and 11 more transcripts); and 40 more; short protein forms H572Y, H619Y, H508Y, H592Y, H451Y, H507Y, H548Y, H577Y.
Identifiers: ClinVar variation 1171235 (VCV001171235.7), dbSNP rs773212667, ClinGen allele CA10598310.
Genomic context (GRCh38, chr17:43,093,676, plus strand): 5'-ATTCAGTACAATTAGGTGGGCTTAGATTTCTACTGACTACTAGTTCAAGCGCATGAATAT[G>A]CCTGGTAGAAGACTTCCTCCTCAGCCTATTCTTTTTAGGTGCTTTTGAATTGTGGATATT-3'
Protein context (NP_009225.1, residues 609-629): NRLRRKSSTR[His619Tyr]IHALELVVSR